The following is an entry in ClinVar:

NM_000170.3(GLDC):c.2431T>G (p.Leu811Val)

Gene: GLDC (glycine decarboxylase; minus strand). Cytogenetic location: 9p24.1.
Variant type: single nucleotide variant.
Coding change: c.2431T>G on transcript NM_000170.3 (MANE Select); coding-DNA position 2431, T replaced by G.
Protein change: p.Leu811Val; replaces leucine 811 with valine.
Molecular consequence: missense variant.
Genome position (GRCh38, 1-based): chr9:6,553,394, A>C on the plus strand (T>G on the coding strand, the complement: GLDC is on the minus strand). VCF-style: chr9-6553394-A-C. GRCh37 (hg19) VCF-style: chr9-6553394-A-C.
Other names: short protein forms L811V.
Identifiers: ClinVar variation 1359434 (VCV001359434.5), dbSNP rs2129714675, ClinGen allele CA372878290.

ClinVar aggregate classification (germline): Uncertain significance (1 of 4 stars; one submission).

Conditions:
Glycine encephalopathy. Also called: Nonketotic hyperglycinemia; Non-ketotic hyperglycinemia. Identifiers: Orphanet 407, MedGen C0751748, MONDO:0011612, HP:0008288.

Submission:

Labcorp Genetics (formerly Invitae), Labcorp
Classification: Uncertain significance for Glycine encephalopathy. Last evaluated: 2024-11-05. Review status: criteria provided, single submitter. Criteria: Invitae Variant Classification Sherloc (09022015). Collection method: clinical testing. Allele origin: germline.
Comment: This sequence change replaces leucine, which is neutral and non-polar, with valine, which is neutral and non-polar, at codon 811 of the GLDC protein (p.Leu811Val). This variant is not present in population databases (gnomAD no frequency). This variant has not been reported in the literature in individuals affected with GLDC-related conditions. ClinVar contains an entry for this variant (Variation ID: 1359434). Invitae Evidence Modeling of protein sequence and biophysical properties (such as structural, functional, and spatial information, amino acid conservation, physicochemical variation, residue mobility, and thermodynamic stability) indicates that this missense variant is expected to disrupt GLDC protein function with a positive predictive value of 95%. In summary, the available evidence is currently insufficient to determine the role of this variant in disease. Therefore, it has been classified as a Variant of Uncertain Significance.